The following is an entry in ClinVar:

NM_001040108.2(MLH3):c.3570+5A>C

Gene: MLH3 (mutL homolog 3; minus strand). Cytogenetic location: 14q24.3.
Variant type: single nucleotide variant.
Coding change: c.3570+5A>C on transcript NM_001040108.2 (MANE Select); 5 bases into the intron after coding-DNA position 3570, A replaced by C.
Molecular consequence: intron variant.
Genome position (GRCh38, 1-based): chr14:75,039,906, T>G on the plus strand (A>C on the coding strand, the complement: MLH3 is on the minus strand). VCF-style: chr14-75039906-T-G. GRCh37 (hg19) VCF-style: chr14-75506609-T-G.
Other names: c.3570+5A>C (NM_014381.3).
Identifiers: ClinVar variation 3704787 (VCV003704787.2).

ClinVar aggregate classification (germline): Uncertain significance (1 of 4 stars; one submission).

Conditions:
Colorectal cancer, hereditary nonpolyposis, type 7. Identifiers: Orphanet 144, MedGen C1858380, MONDO:0013725, OMIM 614385.

gnomAD v4.1: 8 of 1,297,308 alleles (0.00062%); highest among the groups gnomAD compares: Non-Finnish European, 0.00087%; no homozygotes.

Submission:

Labcorp Genetics (formerly Invitae), Labcorp
Classification: Uncertain significance for Colorectal cancer, hereditary nonpolyposis, type 7. Last evaluated: 2024-12-17. Review status: criteria provided, single submitter. Criteria: Invitae Variant Classification Sherloc (09022015). Collection method: clinical testing. Allele origin: germline.
Comment: This sequence change falls in intron 5 of the MLH3 gene. It does not directly change the encoded amino acid sequence of the MLH3 protein. It affects a nucleotide within the consensus splice site. This variant is present in population databases (no rsID available, gnomAD 0.0009%). This variant has not been reported in the literature in individuals affected with MLH3-related conditions. Variants that disrupt the consensus splice site are a relatively common cause of aberrant splicing (PMID: 17576681, 9536098). Algorithms developed to predict the effect of sequence changes on RNA splicing suggest that this variant is not likely to affect RNA splicing. In summary, the available evidence is currently insufficient to determine the role of this variant in disease. Therefore, it has been classified as a Variant of Uncertain Significance.

Literature cited by the submitters: PubMed 17576681; PubMed 9536098.